The following is an entry in ClinVar:

NM_018406.7(MUC4):c.11162T>C (p.Val3721Ala)

Gene: MUC4 (mucin 4, cell surface associated). Cytogenetic location: 3q29.
Variant type: single nucleotide variant.
Coding change: c.11162T>C on transcript NM_018406.7 (MANE Select); coding-DNA position 11162, T replaced by C.
Protein change: p.Val3721Ala; replaces valine 3721 with alanine.
Molecular consequence: missense variant. On other transcripts: intron variant (2).
Genome position (GRCh38, 1-based): chr3:195,780,418, A>G on the plus strand (T>C on the coding strand, the complement: MUC4 is on the minus strand). VCF-style: chr3-195780418-A-G. GRCh37 (hg19) VCF-style: chr3-195507289-A-G.
Other names: c.83-6113T>C (NM_138297.5); c.83-1963T>C (NM_004532.6); short protein forms V3721A.
Identifiers: ClinVar variation 4872129 (VCV004872129.2).

ClinVar aggregate classification (germline): Likely benign (1 of 4 stars; one submission).

gnomAD v4.1: 397 of 1,506,722 alleles (0.026%); highest among the groups gnomAD compares: East Asian, 0.49%; 12 homozygotes.

Submission:

CeGaT Center for Human Genetics Tuebingen
Classification: Likely benign. Last evaluated: 2026-04-01. Review status: criteria provided, single submitter. Criteria: CeGaT Center For Human Genetics Tuebingen Variant Classification Criteria Version 2. Collection method: clinical testing. Allele origin: germline. Affected: yes. Observed: 1 variant allele.
Comment: MUC4: BP4, BS2